The following is an entry in ClinVar:

NM_002615.7(SERPINF1):c.232G>A (p.Val78Met)

Genes: SERPINF1 (serpin family F member 1; plus strand), LOC130059892 (ATAC-STARR-seq lymphoblastoid active region 11457; plus strand). Cytogenetic location: 17p13.3.
Variant type: single nucleotide variant.
Coding change: c.232G>A on transcript NM_002615.7 (MANE Select); coding-DNA position 232, G replaced by A.
Protein change: p.Val78Met; replaces valine 78 with methionine.
Molecular consequence: missense variant. On other transcripts: 5 prime UTR variant (1).
Genome position (GRCh38, 1-based): chr17:1,769,999, G>A. VCF-style: chr17-1769999-G-A. GRCh37 (hg19) VCF-style: chr17-1673293-G-A.
Other names: c.232G>A (NM_002615.5); c.232G>A, p.Val78Met (NM_001329903.2); c.-330G>A (NM_001329904.2); short protein forms V78M.
Identifiers: ClinVar variation 2418208 (VCV002418208.15), dbSNP rs781752418, ClinGen allele CA8274577.

ClinVar aggregate classification (germline): Conflicting classifications of pathogenicity. Review status: criteria provided, conflicting classifications (1 of 4 stars). 3 submissions from 3 submitters: Uncertain significance (2); Likely benign (1). Last evaluated 2025-11-01.

Conditions:
Inborn genetic diseases. Identifiers: MedGen C0950123, MeSH D030342.

Allele frequency attached by ClinVar (database versions not stated): gnomAD 0.00001; gnomAD exomes 0.00001; ExAC 0.00002; TOPMed 0.00003.
gnomAD v4.1: 15 of 1,614,042 alleles (0.00093%); highest among the groups gnomAD compares: East Asian, 0.0022%; 1 homozygote.

Submissions (3):

CeGaT Center for Human Genetics Tuebingen
Classification: Likely benign. Last evaluated: 2025-11-01. Review status: criteria provided, single submitter. Criteria: CeGaT Center For Human Genetics Tuebingen Variant Classification Criteria Version 2. Collection method: clinical testing. Allele origin: germline. Affected: yes. Observed: 1 variant allele.
Comment: SERPINF1: BS2

Ambry Genetics
Classification: Uncertain significance for Inborn genetic diseases. Last evaluated: 2023-01-26. Review status: criteria provided, single submitter. Criteria: Ambry Variant Classification Scheme 2023. Collection method: clinical testing. Allele origin: germline.

Labcorp Genetics (formerly Invitae), Labcorp
Classification: Uncertain significance. Last evaluated: 2022-09-27. Review status: criteria provided, single submitter. Criteria: Invitae Variant Classification Sherloc (09022015). Collection method: clinical testing. Allele origin: germline.
Comment: In summary, the available evidence is currently insufficient to determine the role of this variant in disease. Therefore, it has been classified as a Variant of Uncertain Significance. Advanced modeling of protein sequence and biophysical properties (such as structural, functional, and spatial information, amino acid conservation, physicochemical variation, residue mobility, and thermodynamic stability) performed at Invitae indicates that this missense variant is not expected to disrupt SERPINF1 protein function. This variant has not been reported in the literature in individuals affected with SERPINF1-related conditions. This variant is present in population databases (rs781752418, gnomAD 0.003%). This sequence change replaces valine, which is neutral and non-polar, with methionine, which is neutral and non-polar, at codon 78 of the SERPINF1 protein (p.Val78Met).